The following is an entry in ClinVar:

NM_001754.5(RUNX1):c.360C>A (p.Ala120=)

Genes: RUNX1 (RUNX family transcription factor 1; minus strand), RUNX1-AS1 (RUNX1 antisense RNA 1; plus strand). Cytogenetic location: 21q22.12.
Variant type: single nucleotide variant.
Coding change: c.360C>A on transcript NM_001754.5 (MANE Select); coding-DNA position 360, C replaced by A.
Protein change: p.Ala120=; no amino-acid change (alanine 120 retained).
Molecular consequence: synonymous variant.
Genome position (GRCh38, 1-based): chr21:34,880,705, G>T on the plus strand (C>A on the coding strand, the complement: RUNX1 is on the minus strand). VCF-style: chr21-34880705-G-T. GRCh37 (hg19) VCF-style: chr21-36253002-G-T.
Other names: NM_001754.5(RUNX1):c.360C>A; p.Ala120=; c.279C>A, p.Ala93= (NM_001001890.3, NM_001122607.2).
Identifiers: ClinVar variation 3948879 (VCV003948879.3).

ClinVar aggregate classification (germline): Likely benign. Review status: reviewed by expert panel (3 of 4 stars). 3 submissions from 3 submitters: Likely benign (1). 2 of the submissions do not count toward it. Last evaluated 2026-06-01.

Conditions:
Hereditary thrombocytopenia and hematological cancer predisposition syndrome associated with RUNX1. Also called: RUNX1 Familial Platelet Disorder with Associated Myeloid Malignancies; Familial Platelet Disorder with Propensity to Acute Myelogenous Leukemia; Familial thrombocytopenia with propensity to acute myelogenous leukemia; PLATELET DISORDER, ASPIRIN-LIKE. Identifiers: Orphanet 71290, MedGen C1832388, MeSH C563324, MONDO:0100083, OMIM 601399.
Inborn genetic diseases. Identifiers: MedGen C0950123, MeSH D030342.
Hereditary thrombocytopenia and hematologic cancer predisposition syndrome. Identifiers: Orphanet 71290, MedGen CN281654, MONDO:0011071.

Submissions (3):

ClinGen Myeloid Malignancy Variant Curation Expert Panel
Classification: Likely benign for Hereditary thrombocytopenia and hematologic cancer predisposition syndrome. Last evaluated: 2026-06-01. Review status: reviewed by expert panel. Criteria: ClinGen MyeloMalig ACMG Specifications V3.1. Collection method: curation. Allele origin: germline. Inheritance: Autosomal dominant inheritance.
Comment: NM_001754.5(RUNX1):c.360C>A (p.Ala120=) is a synonymous variant which is completely absent from gnomAD 4.1.0 with at least 20x coverage for RUNX1 (PM2_Supporting) and has a SpliceAI score ≤ 0.20 (0.0) (BP4, BP7). In summary, this variant meets criteria to be classified as likely benign. ACMG/AMP criteria applied, as specified by the Myeloid Malignancy Variant Curation Expert Panel for RUNX1: PM2_supporting, BP4, BP7.

Ambry Genetics
Classification: Likely benign for Inborn genetic diseases. Last evaluated: 2025-05-10. Review status: criteria provided, single submitter. Criteria: Ambry Variant Classification Scheme 2023. Collection method: clinical testing. Allele origin: germline. Not counted in ClinVar's aggregate classification.

Labcorp Genetics (formerly Invitae), Labcorp
Classification: Likely benign for Hereditary thrombocytopenia and hematological cancer predisposition syndrome associated with RUNX1. Last evaluated: 2025-03-30. Review status: criteria provided, single submitter. Criteria: Invitae Variant Classification Sherloc (09022015). Collection method: clinical testing. Allele origin: germline. Not counted in ClinVar's aggregate classification.